The following is an entry in ClinVar:

NM_006306.4(SMC1A):c.2011G>A (p.Val671Ile)

Gene: SMC1A (structural maintenance of chromosomes 1A; minus strand). Cytogenetic location: Xp11.22.
Variant type: single nucleotide variant.
Coding change: c.2011G>A on transcript NM_006306.4 (MANE Select); coding-DNA position 2011, G replaced by A.
Protein change: p.Val671Ile; replaces valine 671 with isoleucine.
Molecular consequence: missense variant.
Genome position (GRCh38, 1-based): chrX:53,405,292, C>T on the plus strand (G>A on the coding strand, the complement: SMC1A is on the minus strand). VCF-style: chrX-53405292-C-T. GRCh37 (hg19) VCF-style: chrX-53432224-C-T.
Other names: c.1945G>A, p.Val649Ile (NM_001281463.1); short protein forms V649I, V671I.
Identifiers: ClinVar variation 1803357 (VCV001803357.1), dbSNP rs2520927572, ClinGen allele CA413252270.
Genomic context (GRCh38, chrX:53,405,292, plus strand): 5'-GCCTGTGGCTTACTTTCAGCTCCTCTGTCAAGCGCTCCTTCTTCTCTTTCAACTTGTCTA[C>T]TGCTTTCTCATCCCAGCGCCGTGCCTTGGCCTTCAGGTCACTGGCCCCACCAGAGATCAC-3'
Protein context (NP_006297.2, residues 661-681): AKARRWDEKA[Val671Ile]DKLKEKKERL

ClinVar aggregate classification (germline): Uncertain significance (1 of 4 stars; one submission).

Allele frequency attached by ClinVar (database versions not stated): gnomAD exomes 0.00001.
gnomAD v4.1: 13 of 1,212,028 alleles (0.0011%); highest among the groups gnomAD compares: Non-Finnish European, 0.0015%; no homozygotes.

Submission:

GeneDx
Classification: Uncertain significance. Last evaluated: 2022-06-09. Review status: criteria provided, single submitter. Criteria: GeneDx Variant Classification Process June 2021. Collection method: clinical testing. Allele origin: germline. Affected: yes.
Comment: Not observed at significant frequency in large population cohorts (gnomAD); Missense variants in this gene are often considered pathogenic (HGMD); In silico analysis supports that this missense variant does not alter protein structure/function; Has not been previously published as pathogenic or benign to our knowledge